The following is an entry in ClinVar:

ClinVar aggregate classification (germline): Uncertain significance. Review status: criteria provided, multiple submitters, no conflicts (2 of 4 stars). 2 submissions from 2 submitters: Uncertain significance (2). Last evaluated 2025-09-22.

Conditions:
Familial adenomatous polyposis 2. Also called: ADENOMAS, MULTIPLE COLORECTAL, AUTOSOMAL RECESSIVE; MUTYH-associated polyposis; COLORECTAL ADENOMATOUS POLYPOSIS, AUTOSOMAL RECESSIVE; MUTYH Polyposis; MYH-associated polyposis; Adenomas, multiple colorectal. Identifiers: Orphanet 220460, Orphanet 247798, MedGen C3272841, MONDO:0012041, OMIM 608456.
Hereditary cancer-predisposing syndrome. Also called: Neoplastic Syndromes, Hereditary; Hereditary Cancer Syndrome; Tumor predisposition; Hereditary neoplastic syndrome. Identifiers: Orphanet 140162, MedGen C0027672, MeSH D009386, MONDO:0015356.

Submissions (2):

Labcorp Genetics (formerly Invitae), Labcorp
Classification: Uncertain significance for Familial adenomatous polyposis 2. Last evaluated: 2025-09-22. Review status: criteria provided, single submitter. Criteria: Invitae Variant Classification Sherloc (09022015). Collection method: clinical testing. Allele origin: germline.
Comment: This sequence change replaces valine, which is neutral and non-polar, with methionine, which is neutral and non-polar, at codon 355 of the MUTYH protein (p.Val355Met). This variant is not present in population databases (gnomAD no frequency). This variant has not been reported in the literature in individuals affected with MUTYH-related conditions. ClinVar contains an entry for this variant (Variation ID: 2567638). An algorithm developed to predict the effect of missense changes on protein structure and function (PolyPhen-2) suggests that this variant is likely to be disruptive. In summary, the available evidence is currently insufficient to determine the role of this variant in disease. Therefore, it has been classified as a Variant of Uncertain Significance.

Ambry Genetics
Classification: Uncertain significance for Hereditary cancer-predisposing syndrome. Last evaluated: 2023-03-22. Review status: criteria provided, single submitter. Criteria: Ambry Variant Classification Scheme 2023. Collection method: clinical testing. Allele origin: germline.
Comment: The p.V355M variant (also known as c.1063G>A), located in coding exon 12 of the MUTYH gene, results from a G to A substitution at nucleotide position 1063. The valine at codon 355 is replaced by methionine, an amino acid with highly similar properties. This amino acid position is conserved. In addition, the in silico prediction for this alteration is inconclusive. Since supporting evidence is limited at this time, the clinical significance of this alteration remains unclear.

NM_001048174.2(MUTYH):c.979G>A (p.Val327Met)

Gene: MUTYH (mutY DNA glycosylase; minus strand). Cytogenetic location: 1p34.1.
Variant type: single nucleotide variant.
Coding change: c.979G>A on transcript NM_001048174.2 (MANE Select); coding-DNA position 979, G replaced by A.
Protein change: p.Val327Met; replaces valine 327 with methionine.
Molecular consequence: missense variant. On other transcripts: non-coding transcript variant (7).
Genome position (GRCh38, 1-based): chr1:45,331,784, C>T on the plus strand (G>A on the coding strand, the complement: MUTYH is on the minus strand). VCF-style: chr1-45331784-C-T. GRCh37 (hg19) VCF-style: chr1-45797456-C-T.
Other names: c.979G>A, p.Val327Met (NM_001048171.2, NM_001048173.2, NM_001407081.1 and 6 more transcripts); c.982G>A, p.Val328Met (NM_001048172.2, NM_001407078.1, NM_001407086.1 and 1 more transcripts); c.1063G>A, p.Val355Met (NM_001128425.2); c.1024G>A, p.Val342Met (NM_001293190.2); c.1012G>A, p.Val338Met (NM_001293191.2, NM_001407077.1, NM_001407069.1); c.703G>A, p.Val235Met (NM_001293192.2, NM_001407091.1, NM_001293196.2); c.940G>A, p.Val314Met (NM_001407079.1); c.937G>A, p.Val313Met (NM_001407080.1); and 5 more; short protein forms V314M, V328M, V341M, V352M, V355M, V299M, V212M, V235M.
Identifiers: ClinVar variation 2567638 (VCV002567638.3), dbSNP rs2149128183, ClinGen allele CA340133710.